The following is an entry in ClinVar:

ClinVar aggregate classification (germline): Uncertain significance (1 of 4 stars; one submission).

Submission:

GeneDx
Classification: Uncertain significance. Last evaluated: 2022-10-18. Review status: criteria provided, single submitter. Criteria: GeneDx Variant Classification Process June 2021. Collection method: clinical testing. Allele origin: germline. Affected: yes.
Comment: Has not been previously published as pathogenic or benign to our knowledge; Not observed at significant frequency in large population cohorts (gnomAD); In silico analysis suggests this variant may impact gene splicing. In the absence of RNA/functional studies, the actual effect of this sequence change is unknown.

NM_000089.4(COL1A2):c.3711+5G>A

Gene: COL1A2 (collagen type I alpha 2 chain; plus strand). Cytogenetic location: 7q21.3.
Variant type: single nucleotide variant.
Coding change: c.3711+5G>A on transcript NM_000089.4 (MANE Select); 5 bases into the intron after coding-DNA position 3711, G replaced by A.
Molecular consequence: intron variant.
Genome position (GRCh38, 1-based): chr7:94,428,482, G>A. VCF-style: chr7-94428482-G-A. GRCh37 (hg19) VCF-style: chr7-94057794-G-A.
Identifiers: ClinVar variation 2499906 (VCV002499906.1), dbSNP rs2484739877, ClinGen allele CA2580077887.